The following is an entry in ClinVar:

NM_001374828.1(ARID1B):c.5958C>T (p.Gly1986=)

Gene: ARID1B (AT-rich interaction domain 1B; plus strand). Cytogenetic location: 6q25.3.
Variant type: single nucleotide variant.
Coding change: c.5958C>T on transcript NM_001374828.1 (MANE Select); coding-DNA position 5958, C replaced by T.
Protein change: p.Gly1986=; no amino-acid change (glycine 1986 retained).
Molecular consequence: synonymous variant.
Genome position (GRCh38, 1-based): chr6:157,206,730, C>T. VCF-style: chr6-157206730-C-T. GRCh37 (hg19) VCF-style: chr6-157527864-C-T.
Other names: c.5709C>T, p.Gly1903= (NM_001346813.1); c.3459C>T, p.Gly1153= (NM_001363725.2); c.5838C>T, p.Gly1946= (NM_001371656.1, NM_001374820.1); c.5799C>T, p.Gly1933= (NM_017519.3); c.5589C>T, p.Gly1863= (NM_020732.3); c.5376C>T, p.Gly1792= (NM_175863.2).
Identifiers: ClinVar variation 1748458 (VCV001748458.7), dbSNP rs755801421, ClinGen allele CA4067929.

ClinVar aggregate classification (germline): Likely benign. Review status: criteria provided, multiple submitters, no conflicts (2 of 4 stars). 4 submissions from 4 submitters: Likely benign (3). 1 of the submissions does not count toward it. Last evaluated 2025-02-12.

Conditions:
ARID1B-Related Disorder. Identifiers: MedGen CN381337.
Inborn genetic diseases. Identifiers: MedGen C0950123, MeSH D030342.

Allele frequency attached by ClinVar (database versions not stated): ExAC 0.00002; gnomAD exomes 0.00003; TOPMed 0.00004; gnomAD 0.00006.
gnomAD v4.1: 61 of 1,612,770 alleles (0.0038%); highest among the groups gnomAD compares: Middle Eastern, 0.016%; no homozygotes.

Submissions (4):

Labcorp Genetics (formerly Invitae), Labcorp
Classification: Likely benign. Last evaluated: 2025-02-12. Review status: criteria provided, single submitter. Criteria: Invitae Variant Classification Sherloc (09022015). Collection method: clinical testing. Allele origin: germline.

Blueprint Genetics
Classification: Likely benign. Last evaluated: 2024-06-12. Review status: criteria provided, single submitter. Criteria: ACMG Guidelines, 2015. Collection method: clinical testing. Allele origin: germline.

Ambry Genetics
Classification: Likely benign for Inborn genetic diseases. Last evaluated: 2017-08-25. Review status: criteria provided, single submitter. Criteria: Ambry Variant Classification Scheme 2023. Collection method: clinical testing. Allele origin: germline.

PreventionGenetics, part of Exact Sciences
Classification: Likely benign for ARID1B-related condition. Last evaluated: 2024-07-03. Review status: no assertion criteria provided. Collection method: clinical testing. Allele origin: germline. Not counted in ClinVar's aggregate classification.
Comment: This variant is classified as likely benign based on ACMG/AMP sequence variant interpretation guidelines (Richards et al. 2015 PMID: 25741868, with internal and published modifications).